The following is an entry in ClinVar:

ClinVar aggregate classification (germline): Uncertain significance. Review status: criteria provided, multiple submitters, no conflicts (2 of 4 stars). 4 submissions from 4 submitters: Uncertain significance (4). Last evaluated 2025-05-05.

Conditions:
Hereditary cancer-predisposing syndrome. Also called: Neoplastic Syndromes, Hereditary; Hereditary neoplastic syndrome; Tumor predisposition; Hereditary Cancer Syndrome. Identifiers: Orphanet 140162, MedGen C0027672, MeSH D009386, MONDO:0015356.
Ataxia-telangiectasia syndrome (AT). Also called: Ataxia-telangiectasia, complementation group D; AT, COMPLEMENTATION GROUP C; Ataxia telangiectasia (A-T); Cerebello-oculocutaneous telangiectasia; Immunodeficiency with ataxia telangiectasia; ATAXIA-TELANGIECTASIA, COMPLEMENTATION GROUP A. Identifiers: Orphanet 100, MedGen C0004135, MONDO:0008840, OMIM 208900.

Submissions (4):

Ambry Genetics
Classification: Uncertain significance for Hereditary cancer-predisposing syndrome. Last evaluated: 2025-05-05. Review status: criteria provided, single submitter. Criteria: Ambry Variant Classification Scheme 2023. Collection method: clinical testing. Allele origin: germline.
Comment: The c.901+4T>G intronic variant results from a T to G substitution 4 nucleotides after coding exon 6 in the ATM gene. This nucleotide position is not well conserved in available vertebrate species. In silico splice site analysis predicts that this alteration will not have any significant effect on splicing; however, direct evidence is insufficient at this time (Ambry internal data). Based on the available evidence, the clinical significance of this variant remains unclear.

Labcorp Genetics (formerly Invitae), Labcorp
Classification: Uncertain significance for Ataxia-telangiectasia syndrome. Last evaluated: 2025-01-06. Review status: criteria provided, single submitter. Criteria: Invitae Variant Classification Sherloc (09022015). Collection method: clinical testing. Allele origin: germline.
Comment: This sequence change falls in intron 7 of the ATM gene. It does not directly change the encoded amino acid sequence of the ATM protein. It affects a nucleotide within the consensus splice site. This variant is not present in population databases (gnomAD no frequency). This variant has not been reported in the literature in individuals affected with ATM-related conditions. ClinVar contains an entry for this variant (Variation ID: 662115). Variants that disrupt the consensus splice site are a relatively common cause of aberrant splicing (PMID: 17576681, 9536098). Algorithms developed to predict the effect of sequence changes on RNA splicing suggest that this variant is not likely to affect RNA splicing. In summary, the available evidence is currently insufficient to determine the role of this variant in disease. Therefore, it has been classified as a Variant of Uncertain Significance.

St. Jude Molecular Pathology, St. Jude Children's Research Hospital
Classification: Uncertain significance for Ataxia-telangiectasia syndrome. Last evaluated: 2022-05-05. Review status: criteria provided, single submitter. Criteria: St. Jude Assertion Criteria 2020. Collection method: clinical testing. Allele origin: germline.
Comment: The ATM c.901+4T>G intronic change results in a T to G substitution at the +4 position of intron 7 of the ATM gene. Algorithms that predict the impact of sequence changes on splicing indicate that this variant does not affect splicing (BP4). This variant is absent in gnomAD v2.1.1 (PM2_supporting). To our knowledge, this variant has not been reported in individuals with breast cancer or ataxia telangiectasia. In summary, this variant meets criteria to be classified as of uncertain significance based on the ACMG/AMP criteria, as specified by the ClinGen Hereditary Breast, Ovarian and Pancreatic Cancer Variant Curation Expert Panel: PM2_supporting, BP4.

Color Diagnostics, LLC DBA Color Health
Classification: Uncertain significance for Hereditary cancer-predisposing syndrome. Last evaluated: 2020-03-03. Review status: criteria provided, single submitter. Criteria: ACMG Guidelines, 2015. Collection method: clinical testing. Allele origin: germline.
Comment: This variant causes a T to G nucleotide substitution at the +4 position of intron 7 of the ATM gene. Splice site prediction tools suggest that this variant may not impact RNA splicing. However, this prediction has not been confirmed in published RNA studies. This variant has not been reported in individuals affected with hereditary cancer in the literature. This variant has not been identified in the general population by the Genome Aggregation Database (gnomAD). The available evidence is insufficient to determine the role of this variant in disease conclusively. Therefore, this variant is classified as a Variant of Uncertain Significance.

Literature cited by the submitters: PubMed 17576681 (cited by Labcorp Genetics (formerly Invitae), Labcorp); PubMed 9536098 (cited by Labcorp Genetics (formerly Invitae), Labcorp).

NM_000051.4(ATM):c.901+4T>G

Gene: ATM (ATM serine/threonine kinase; plus strand). Cytogenetic location: 11q22.3.
Variant type: single nucleotide variant.
Coding change: c.901+4T>G on transcript NM_000051.4 (MANE Select); 4 bases into the intron after coding-DNA position 901, T replaced by G.
Molecular consequence: intron variant.
Genome position (GRCh38, 1-based): chr11:108,245,030, T>G. VCF-style: chr11-108245030-T-G. GRCh37 (hg19) VCF-style: chr11-108115757-T-G.
Other names: c.901+4T>G (NM_001351834.2).
Identifiers: ClinVar variation 662115 (VCV000662115.17), dbSNP rs1591504958, ClinGen allele CA915947726.
Genomic context (GRCh38, chr11:108,245,030, plus strand): 5'-TATTTCAACTGCAAATTTATATCCATCATCCGAAAGGAGCCAAAACCCAAGAAAAAGGTA[T>G]AAAGGAAATGTTTACTGTTTTGAATTTGCTTCTTCATTCAAACATAGAAGTCTAAGTATA-3'